The following is an entry in ClinVar:

ClinVar aggregate classification (germline): Uncertain significance (1 of 4 stars; one submission).

Conditions:
Immunodeficiency 14 (IMD14A). Also called: Activated PI3K Delta Syndrome Type 1 (APDS1); p110-DELTA-ACTIVATING MUTATION CAUSING SENESCENT T CELLS, LYMPHADENOPATHY, AND IMMUNODEFICIENCY; IMMUNODEFICIENCY 14A WITH LYMPHOPROLIFERATION, AUTOSOMAL DOMINANT; ACTIVATED PI3K-DELTA SYNDROME 1. Identifiers: Orphanet 397596, Orphanet 693661, MedGen C5907821, MONDO:0014222, OMIM 615513.

Allele frequency attached by ClinVar (database versions not stated): ExAC 0.00001.

Submission:

Labcorp Genetics (formerly Invitae), Labcorp
Classification: Uncertain significance for Activated PI3K-delta syndrome. Last evaluated: 2022-10-27. Review status: criteria provided, single submitter. Criteria: Invitae Variant Classification Sherloc (09022015). Collection method: clinical testing. Allele origin: germline.
Comment: This sequence change replaces threonine, which is neutral and polar, with alanine, which is neutral and non-polar, at codon 209 of the PIK3CD protein (p.Thr209Ala). In summary, the available evidence is currently insufficient to determine the role of this variant in disease. Therefore, it has been classified as a Variant of Uncertain Significance. Advanced modeling of protein sequence and biophysical properties (such as structural, functional, and spatial information, amino acid conservation, physicochemical variation, residue mobility, and thermodynamic stability) performed at Invitae indicates that this missense variant is not expected to disrupt PIK3CD protein function. This variant has not been reported in the literature in individuals affected with PIK3CD-related conditions. This variant is present in population databases (rs751559889, gnomAD 0.006%).

NM_005026.5(PIK3CD):c.625A>G (p.Thr209Ala)

Gene: PIK3CD (phosphatidylinositol-4,5-bisphosphate 3-kinase catalytic subunit delta; plus strand). Cytogenetic location: 1p36.22.
Variant type: single nucleotide variant.
Coding change: c.625A>G on transcript NM_005026.5 (MANE Select); coding-DNA position 625, A replaced by G.
Protein change: p.Thr209Ala; replaces threonine 209 with alanine.
Molecular consequence: missense variant.
Genome position (GRCh38, 1-based): chr1:9,716,464, A>G. VCF-style: chr1-9716464-A-G. GRCh37 (hg19) VCF-style: chr1-9776522-A-G.
Other names: c.625A>G, p.Thr209Ala (NM_001350234.2, NM_001350235.1); short protein forms T209A.
Identifiers: ClinVar variation 1951740 (VCV001951740.5), dbSNP rs751559889, ClinGen allele CA576942.